The following is an entry in ClinVar:

ClinVar aggregate classification (germline): Uncertain significance (1 of 4 stars; one submission).

Conditions:
Hereditary cancer-predisposing syndrome. Also called: Hereditary neoplastic syndrome; Neoplastic Syndromes, Hereditary; Tumor predisposition; Hereditary Cancer Syndrome. Identifiers: Orphanet 140162, MedGen C0027672, MeSH D009386, MONDO:0015356.

Submission:

Ambry Genetics
Classification: Uncertain significance for Hereditary cancer-predisposing syndrome. Last evaluated: 2025-01-07. Review status: criteria provided, single submitter. Criteria: Ambry Variant Classification Scheme 2023. Collection method: clinical testing. Allele origin: germline.
Comment: The p.A313T variant (also known as c.937G>A), located in coding exon 8 of the EGFR gene, results from a G to A substitution at nucleotide position 937. The alanine at codon 313 is replaced by threonine, an amino acid with similar properties. This amino acid position is conserved. In addition, this alteration is predicted to be tolerated by in silico analysis. Based on the available evidence, the clinical significance of this variant remains unclear.

NM_005228.5(EGFR):c.937G>A (p.Ala313Thr)

Gene: EGFR (epidermal growth factor receptor; plus strand). Cytogenetic location: 7p11.2.
Variant type: single nucleotide variant.
Coding change: c.937G>A on transcript NM_005228.5 (MANE Select); coding-DNA position 937, G replaced by A.
Protein change: p.Ala313Thr; replaces alanine 313 with threonine.
Molecular consequence: missense variant.
Genome position (GRCh38, 1-based): chr7:55,155,877, G>A. VCF-style: chr7-55155877-G-A. GRCh37 (hg19) VCF-style: chr7-55223570-G-A.
Other names: c.802G>A, p.Ala268Thr (NM_001346897.2, NM_001346899.2); c.937G>A, p.Ala313Thr (NM_001346898.2, NM_201282.2, NM_201283.2 and 1 more transcripts); c.778G>A, p.Ala260Thr (NM_001346900.2); c.136G>A, p.Ala46Thr (NM_001346941.2); short protein forms A268T, A46T, A260T, A313T.
Identifiers: ClinVar variation 3843796 (VCV003843796.1).